The following is an entry in ClinVar:

NM_005334.3(HCFC1):c.3371T>C (p.Met1124Thr)

Gene: HCFC1 (host cell factor C1; minus strand). Cytogenetic location: Xq28.
Variant type: single nucleotide variant.
Coding change: c.3371T>C on transcript NM_005334.3 (MANE Select); coding-DNA position 3371, T replaced by C.
Protein change: p.Met1124Thr; replaces methionine 1124 with threonine.
Molecular consequence: missense variant.
Genome position (GRCh38, 1-based): chrX:153,955,028, A>G on the plus strand (T>C on the coding strand, the complement: HCFC1 is on the minus strand). VCF-style: chrX-153955028-A-G. GRCh37 (hg19) VCF-style: chrX-153220479-A-G.
Other names: c.3371T>C, p.Met1124Thr (NM_001410705.1); short protein forms M1124T.
Identifiers: ClinVar variation 2413029 (VCV002413029.3), dbSNP rs1359129735, ClinGen allele CA415124499.
Genomic context (GRCh38, chrX:153,955,028, plus strand): 5'-GGGGTGCCAGCTGCACAGGCCCGACGGGCATCTCGCTGGTGGTTGGCGCCGACGCTCGAC[A>G]TGGCTGTAGTGGCAGTGTTGGTGGTGCCCGTCTCGTGGGTCTCGCAGGGTGGGTTTGAGC-3'
Protein context (NP_005325.2, residues 1114-1134): TGTTNTATTA[Met1124Thr]SSVGANHQRD

ClinVar aggregate classification (germline): Uncertain significance (1 of 4 stars; one submission).

Submission:

GeneDx
Classification: Uncertain significance. Last evaluated: 2022-07-28. Review status: criteria provided, single submitter. Criteria: GeneDx Variant Classification Process June 2021. Collection method: clinical testing. Allele origin: germline. Affected: yes.
Comment: Not observed at significant frequency in large population cohorts (gnomAD); In silico analysis supports that this missense variant does not alter protein structure/function; Has not been previously published as pathogenic or benign to our knowledge